The following is an entry in ClinVar:

ClinVar aggregate classification (germline): Conflicting classifications of pathogenicity. Review status: criteria provided, conflicting classifications (1 of 4 stars). 10 submissions from 10 submitters: Pathogenic (1); Likely pathogenic (6); Uncertain significance (2). 1 of the submissions does not count toward it. Last evaluated 2026-06-23.

Conditions:
Inborn genetic diseases. Identifiers: MedGen C0950123, MeSH D030342.
EDNRB-related disorder. Also called: EDNRB-related condition; EDNRB-related disorders.
Hearing loss, autosomal recessive. Also called: Deafness, autosomal recessive; Rare autosomal recessive non-syndromic sensorineural deafness type DFNB; Autosomal recessive nonsyndromic deafness; Nonsyndromic Hearing Loss, Recessive. Identifiers: Orphanet 90635, Orphanet 90636, MedGen C1846647, MONDO:0019588, OMIM 607197.
Hirschsprung disease, susceptibility to, 2. Identifiers: Orphanet 388, MedGen C1838564, MONDO:0010833, OMIM 600155.
Waardenburg syndrome type 4A (WS4A). Also called: WAARDENBURG SYNDROME WITH HIRSCHSPRUNG DISEASE, TYPE 4A. Identifiers: Orphanet 897, MedGen C1848519, MONDO:0010192, OMIM 277580.
Hearing impairment. Also called: Impaired Hearing. Identifiers: MedGen C1384666, MONDO:0005365, HP:0000365.
Aganglionosis, total intestinal. Identifiers: MedGen C0345240, MONDO:0008738, OMIM 202550, HP:0005241.

Allele frequency attached by ClinVar (database versions not stated): gnomAD 0.00003; gnomAD exomes 0.00003 and 0.00013; TOPMed 0.00005; ExAC 0.00012.

Submissions (10):

PreventionGenetics, part of Exact Sciences
Classification: Likely pathogenic for EDNRB-related condition. Last evaluated: 2026-06-23. Review status: criteria provided, single submitter. Criteria: ACMG Guidelines, 2015. Collection method: clinical testing. Allele origin: germline.
Comment: The EDNRB c.553G>A variant is predicted to result in the amino acid substitution p.Val185Met. This variant (also described as c.823G>A, p.Val275Met) has been reported in the heterozygous state in six patients with features of Hirschsprung disease, although three of these patients had a second potentially disease-causing variant in EDNRB or a different gene (Garcia-Barceló et al. 2004. PubMed ID: 14633923; Lin et al. 2008. PubMed ID: 18162831; Table S3, Li et al. 2019. PubMed ID: 30936914; Yang et al. 2019. PubMed ID: 31240788). This variant has been reported in the homozygous state in four patients (one set of twins) with Waardenburg syndrome and was present in the heterozygous state in five unaffected siblings or parents (Wang et al. 2017. PubMed ID: 29106856; Table S2B, Abu Rayyan et al. 2020. PubMed ID: 32747562; Xiang et al. 2020. PubMed ID: 33095980). This variant is listed in ClinVar with conflicting interpretations of uncertain and likely pathogenic, including in the compound heterozygous state in a patient with features consistent with Waardenburg syndrome (Variation ID: 619136). This variant is reported in 0.13% of alleles in individuals of East Asian descent in gnomAD, including 33 heterozygotes. Incomplete penetrance of Hirschsprung disease is associated with heterozygous EDNRB variants (Widowati et al. 2016. PubMed ID: 26395553). Although we suspect this variant may be pathogenic for autosomal dominant Hirschsprung disease, at this time, the clinical significance of this variant is uncertain due to the absence of conclusive functional and genetic evidence. However, this variant is interpreted as likely pathogenic for autosomal recessive Waardenburg syndrome.

Blueprint Genetics
Classification: Pathogenic for EDNRB-related disorders. Last evaluated: 2024-10-14. Review status: criteria provided, single submitter. Criteria: ACMG Guidelines, 2015. Collection method: clinical testing. Allele origin: germline. Affected: yes. Observed: 5 variant alleles.

Ambry Genetics
Classification: Likely pathogenic for Inborn genetic diseases. Last evaluated: 2024-05-28. Review status: criteria provided, single submitter. Criteria: Ambry Variant Classification Scheme 2023. Collection method: clinical testing. Allele origin: germline.
Comment: The c.553G>A (p.V185M) alteration is located in exon 3 (coding exon 2) of the EDNRB gene. This alteration results from a G to A substitution at nucleotide position 553, causing the valine (V) at amino acid position 185 to be replaced by a methionine (M). Based on the available evidence, the EDNRB c.553G>A (p.V185M) alteration is classified as likely pathogenic for autosomal recessive Waardenburg syndrome and/or Hirschsprung disease; however, its clinical significance for autosomal dominant Waardenburg syndrome and/or Hirschsprung disease is uncertain. Based on data from gnomAD, the A allele has an overall frequency of 0.012% (33/281718) total alleles studied. The highest observed frequency was 0.131% (26/19916) of East Asian alleles. This variant has been reported in multiple homozygous and compound heterozygous individuals with autosomal recessive Waardenburg syndrome (Wang, 2017; Richard, 2019; Abu Rayyan 2020; Xiang, 2020; Zhang, 2022). In at least one family, the variant segregated with disease in two homozygous siblings (Xiang, 2020). Furthermore, this variant has been reported in the heterozygous state in individuals reported with Hirschsprung disease (Garcia-Barcelo, 2004; Zhang, 2007; Lin, 2008; Yang, 2019). However, it has also been reported in multiple heterozygous individuals that did not exhibit features of Hirschsprung disease or Waardenburg syndrome (Ambry internal data; Garcia-Barcelo, 2004; Wang, 2017; Yang, 2019; Xiang, 2020). This amino acid position is highly conserved in available vertebrate species. This alteration is predicted to be deleterious by in silico analysis. Based on the available evidence, this alteration is classified as likely pathogenic.

GeneDx
Classification: Uncertain significance. Last evaluated: 2022-06-01. Review status: criteria provided, single submitter. Criteria: GeneDx Variant Classification Process June 2021. Collection method: clinical testing. Allele origin: germline. Affected: yes.
Comment: Identified in the heterozygous state in patients with Hirschsprung disease in published literature, inherited from an unaffected parent in some cases, suggesting reduced penetrance for this phenotype (Garcia-Barcelo et al., 2004; Zhou et al., 2006; Lin et al., 2008; Yang et al., 2019); In silico analysis supports that this missense variant does not alter protein structure/function; Reported as c.823G>A p.(V275M) using alternate nomenclature in some cases; This variant is associated with the following publications: (PMID: 32747562, 18162831, 30303587, 16944573, 14633923, 33095980, 29106856, 31240788, 30936914)

King Laboratory, University of Washington
Classification: Likely pathogenic for Waardenburg syndrome type 4A. Last evaluated: 2020-08-01. Review status: criteria provided, single submitter. Criteria: Abu Rayyan A et al. (Proc Natl Acad Sci U S A 2020). Collection method: research. Allele origin: germline. Affected: yes.
Comment: EDNRB c.823G>A, p.V275M alters a residue of EDNRB completely conserved in all sequenced vertebrates. The variant is absent from 1300 Palestinian controls and absent from gnomAD v2.1.1.

Petrovsky National Research Centre of Surgery, The Federal Agency for Scientific Organizations
Classification: Likely pathogenic for Aganglionosis, total intestinal; Hearing impairment. Last evaluated: 2019-02-19. Review status: criteria provided, single submitter. Criteria: ACMG Guidelines, 2015. Collection method: research. Allele origin: inherited. Inheritance: Autosomal recessive inheritance. Affected: yes. Observed: 1 compound heterozygote.
Comment: Multiple computational resources predict deleterious effect of p.V275M variant and intolerance of missense variants of EDNRB gene. Also it is absent from large population databases. According to HGMD database, the p.V275M was previously classified as pathogenic (HGMD-CM081580). Based on this evidence, we consider it to classify the p.V275M variant as likely pathogenic.

Illumina Laboratory Services, Illumina
Classification: Uncertain significance for Hirschsprung disease, susceptibility to, 2. Last evaluated: 2017-04-27. Review status: criteria provided, single submitter. Criteria: ICSL Variant Classification Criteria 13 December 2019. Collection method: clinical testing. Allele origin: germline.
Comment: This variant was observed as part of a predisposition screen in an ostensibly healthy population. A literature search was performed for the gene, cDNA change, and amino acid change (where applicable). Publications were found based on this search. However, the evidence from the literature, in combination with allele frequency data from public databases where available, was not sufficient to rule this variant in or out of causing disease. Therefore, this variant is classified as a variant of unknown significance.

Genetics Research Center, University of Social Welfare and Rehabilitation Sciences
Classification: Likely pathogenic for Waardenburg syndrome type 4A. Review status: criteria provided, single submitter. Criteria: ACMG Guidelines, 2015. Collection method: research. Allele origin: germline. Affected: yes.
Comment: The variant is present in the gnomAD v2.1.1 dataset at a very low allele frequency (0.01%) and has been previously reported in individual(s) affected with EDNRB-related hearing loss (PMID:14633923‚ 17554617‚ 18162831‚ 20127975‚ 29106856‚ 30303587‚ 30936914‚ 31240788‚ 32747562‚ 33095980‚ 35790984). Multiple in silico prediction tools suggest that the variant is damaging to protein function.

Juno Genomics, Hangzhou Juno Genomics, Inc
Classification: Likely pathogenic for Waardenburg syndrome type 4A. Review status: criteria provided, single submitter. Criteria: ACMG Guidelines, 2015. Collection method: clinical testing. Allele origin: germline.
Comment: Absent from controls (or at extremely low frequency if recessive) in Genome Aggregation Database.;Multiple lines of computational evidence support a deleterious effect on the gene or gene product.;For recessive disorders, detected in trans with a pathogenic variant.;Patient's phenotype or family history is highly specific for a disease with a single genetic etiology.;Co-segregation with disease in multiple affected family members.

University of Washington Center for Mendelian Genomics, University of Washington
Classification: Likely pathogenic for non-syndromic autosomal recessive hearing loss. Review status: no assertion criteria provided. Collection method: research. Allele origin: inherited. Affected: yes. Not counted in ClinVar's aggregate classification.

Literature cited by the submitters: PubMed 14633923 (cited by Ambry Genetics and Genetics Research Center, University of Social Welfare and Rehabilitation Sciences); PubMed 17554617 (cited by Ambry Genetics and Genetics Research Center, University of Social Welfare and Rehabilitation Sciences); PubMed 18162831 (cited by 3 submitters); PubMed 20127975 (cited by Ambry Genetics and Genetics Research Center, University of Social Welfare and Rehabilitation Sciences); PubMed 29106856 (cited by Ambry Genetics and Genetics Research Center, University of Social Welfare and Rehabilitation Sciences); PubMed 30303587 (cited by 3 submitters); PubMed 30936914 (cited by Ambry Genetics and Genetics Research Center, University of Social Welfare and Rehabilitation Sciences); PubMed 31240788 (cited by Ambry Genetics and Genetics Research Center, University of Social Welfare and Rehabilitation Sciences); PubMed 32747562 (cited by Ambry Genetics and Genetics Research Center, University of Social Welfare and Rehabilitation Sciences); PubMed 33095980 (cited by Ambry Genetics and Genetics Research Center, University of Social Welfare and Rehabilitation Sciences); PubMed 35790984 (cited by Ambry Genetics and Genetics Research Center, University of Social Welfare and Rehabilitation Sciences); PubMed 16944573 (cited by Illumina Laboratory Services, Illumina).

NM_001122659.3(EDNRB):c.553G>A (p.Val185Met)

Genes: EDNRB-AS1 (EDNRB antisense RNA 1; plus strand), EDNRB (endothelin receptor type B; minus strand). Cytogenetic location: 13q22.3.
Variant type: single nucleotide variant.
Coding change: c.553G>A on transcript NM_001122659.3 (MANE Select); coding-DNA position 553, G replaced by A.
Protein change: p.Val185Met; replaces valine 185 with methionine.
Molecular consequence: missense variant.
Genome position (GRCh38, 1-based): chr13:77,903,538, C>T on the plus strand (G>A on the coding strand, the complement: EDNRB is on the minus strand). VCF-style: chr13-77903538-C-T. GRCh37 (hg19) VCF-style: chr13-78477673-C-T.
Other names: c.553G>A, p.Val185Met (NM_000115.5, NM_003991.4); c.823G>A, p.Val275Met (NM_001201397.2); c.553G>A (NM_000115.4); short protein forms V185M, V275M.
Identifiers: ClinVar variation 619136 (VCV000619136.16), dbSNP rs781214034, ClinGen allele CA7012311.